The following is an entry in ClinVar:

NM_001394062.1(MACF1):c.19279C>T (p.Gln6427Ter)

Gene: MACF1 (microtubule actin crosslinking factor 1; plus strand). Cytogenetic location: 1p34.3.
Variant type: single nucleotide variant.
Coding change: c.19279C>T on transcript NM_001394062.1 (MANE Select); coding-DNA position 19279, C replaced by T.
Protein change: p.Gln6427Ter; replaces glutamine 6427 with a stop codon.
Molecular consequence: nonsense.
Genome position (GRCh38, 1-based): chr1:39,442,888, C>T. VCF-style: chr1-39442888-C-T. GRCh37 (hg19) VCF-style: chr1-39908560-C-T.
Other names: c.7357C>T, p.Gln2453Ter (NM_001397473.1); c.13102C>T, p.Gln4368Ter (NM_012090.5); short protein forms Q2453*, Q4368*, Q6427*.
Identifiers: ClinVar variation 4070724 (VCV004070724.1).

ClinVar aggregate classification (germline): Uncertain significance (1 of 4 stars; one submission).

Submission:

GeneDx
Classification: Uncertain significance. Last evaluated: 2025-01-15. Review status: criteria provided, single submitter. Criteria: GeneDx Variant Classification Process June 2021. Collection method: clinical testing. Allele origin: germline. Affected: yes.
Comment: Not observed at significant frequency in large population cohorts (gnomAD); Nonsense variant predicted to result in protein truncation or nonsense mediated decay in a gene or region of a gene for which loss of function is not a well-established mechanism of disease; Has not been previously published as pathogenic or benign to our knowledge